The following is an entry in ClinVar:

NM_002335.4(LRP5):c.1923C>T (p.Ile641=)

Gene: LRP5 (LDL receptor related protein 5; plus strand). Cytogenetic location: 11q13.2.
Variant type: single nucleotide variant.
Coding change: c.1923C>T on transcript NM_002335.4 (MANE Select); coding-DNA position 1923, C replaced by T.
Protein change: p.Ile641=; no amino-acid change (isoleucine 641 retained).
Molecular consequence: synonymous variant.
Genome position (GRCh38, 1-based): chr11:68,406,645, C>T. VCF-style: chr11-68406645-C-T. GRCh37 (hg19) VCF-style: chr11-68174113-C-T.
Other names: c.180C>T, p.Ile60= (NM_001291902.2).
Identifiers: ClinVar variation 1106871 (VCV001106871.12), dbSNP rs17848264, ClinGen allele CA6149486.

ClinVar aggregate classification (germline): Likely benign. Review status: criteria provided, multiple submitters, no conflicts (2 of 4 stars). 4 submissions from 4 submitters: Likely benign (4). Last evaluated 2026-09-01.

Conditions:
Exudative vitreoretinopathy 1 (EVR1). Also called: FEVR, AUTOSOMAL DOMINANT; Familial exudative vitreoretinopathy, autosomal dominant; CRISWICK-SCHEPENS SYNDROME. Identifiers: Orphanet 891, Orphanet 90050, MedGen C1851402, MONDO:0007589, OMIM 133780.
Osteoporosis with pseudoglioma (OPPG). Also called: osteoporosis-pseudoglioma syndrome. Identifiers: Orphanet 2788, MedGen C0432252, MONDO:0009820, OMIM 259770.
Bone mineral density quantitative trait locus 1 (BMND1). Identifiers: MedGen C1866079, OMIM 601884.
Exudative vitreoretinopathy 4 (EVR4). Identifiers: Orphanet 891, MedGen C1866176, MONDO:0011151, OMIM 601813.
Worth disease. Also called: OSTEOSCLEROSIS, AUTOSOMAL DOMINANT; Autosomal dominant osteosclerosis, Worth type; ENDOSTEAL HYPEROSTOSIS, AUTOSOMAL DOMINANT. Identifiers: Orphanet 2790, MedGen C0432273, MONDO:0007764, OMIM 144750.
Polycystic liver disease 4 with or without kidney cysts. Identifiers: MedGen C4693479, MONDO:0044327, OMIM 617875.
Autosomal dominant osteopetrosis 1 (OPTA1). Also called: OSTEOPETROSIS, AUTOSOMAL DOMINANT, TYPE I. Identifiers: Orphanet 2783, MedGen C1843330, MONDO:0011877, OMIM 607634.
Osteoporosis. Identifiers: MedGen C0029456, MONDO:0005298, OMIM 166710, HP:0000939.

Allele frequency attached by ClinVar (database versions not stated): gnomAD 0.00001 and 0.00002; ExAC 0.00003; gnomAD exomes 0.00004; TOPMed 0.00005.
gnomAD v4.1: 29 of 1,614,058 alleles (0.0018%); highest among the groups gnomAD compares: East Asian, 0.036%; no homozygotes.

Submissions (4):

CeGaT Center for Human Genetics Tuebingen
Classification: Likely benign. Last evaluated: 2026-09-01. Review status: criteria provided, single submitter. Criteria: CeGaT Center For Human Genetics Tuebingen Variant Classification Criteria Version 2. Collection method: clinical testing. Allele origin: germline. Affected: yes. Observed: 1 variant allele.
Comment: LRP5: BP4, BP7

Labcorp Genetics (formerly Invitae), Labcorp
Classification: Likely benign. Last evaluated: 2025-10-26. Review status: criteria provided, single submitter. Criteria: Invitae Variant Classification Sherloc (09022015). Collection method: clinical testing. Allele origin: germline.

Blueprint Genetics
Classification: Likely benign. Last evaluated: 2024-09-10. Review status: criteria provided, single submitter. Criteria: ACMG Guidelines, 2015. Collection method: clinical testing. Allele origin: germline.

Fulgent Genetics
Classification: Likely benign for Exudative vitreoretinopathy 1; Worth disease; Osteoporosis; Osteoporosis with pseudoglioma; Exudative vitreoretinopathy 4; Bone mineral density quantitative trait locus 1; Autosomal dominant osteopetrosis 1; Polycystic liver disease 4 with or without kidney cysts. Last evaluated: 2022-04-27. Review status: criteria provided, single submitter. Criteria: ACMG Guidelines, 2015. Collection method: clinical testing. Allele origin: unknown.